The following is an entry in ClinVar:

ClinVar aggregate classification (germline): Uncertain significance (1 of 4 stars; one submission).

Conditions:
Dyskeratosis congenita, autosomal dominant 2. Identifiers: MedGen C3151443, MONDO:0013521, OMIM 613989.
Idiopathic Pulmonary Fibrosis. Also called: Idiopathic fibrosing alveolitis, chronic form; idiopathic fibrosing alveolitis. Identifiers: Orphanet 2032, MedGen C1800706, MeSH D054990, MONDO:0800504.

Submission:

Labcorp Genetics (formerly Invitae), Labcorp
Classification: Uncertain significance for Dyskeratosis congenita, autosomal dominant 2; Idiopathic Pulmonary Fibrosis. Last evaluated: 2022-06-28. Review status: criteria provided, single submitter. Criteria: Invitae Variant Classification Sherloc (09022015). Collection method: clinical testing. Allele origin: germline.
Comment: In summary, the available evidence is currently insufficient to determine the role of this variant in disease. Therefore, it has been classified as a Variant of Uncertain Significance. Advanced modeling of protein sequence and biophysical properties (such as structural, functional, and spatial information, amino acid conservation, physicochemical variation, residue mobility, and thermodynamic stability) performed at Invitae indicates that this missense variant is not expected to disrupt TERT protein function. This variant has not been reported in the literature in individuals affected with TERT-related conditions. This variant is not present in population databases (gnomAD no frequency). This sequence change replaces alanine, which is neutral and non-polar, with valine, which is neutral and non-polar, at codon 913 of the TERT protein (p.Ala913Val).

NM_198253.3(TERT):c.2738C>T (p.Ala913Val)

Gene: TERT (telomerase reverse transcriptase; minus strand). Cytogenetic location: 5p15.33.
Variant type: single nucleotide variant.
Coding change: c.2738C>T on transcript NM_198253.3 (MANE Select); coding-DNA position 2738, C replaced by T.
Protein change: p.Ala913Val; replaces alanine 913 with valine.
Molecular consequence: missense variant. On other transcripts: intron variant (1).
Genome position (GRCh38, 1-based): chr5:1,264,509, G>A on the plus strand (C>T on the coding strand, the complement: TERT is on the minus strand). VCF-style: chr5-1264509-G-A. GRCh37 (hg19) VCF-style: chr5-1264624-G-A.
Other names: c.2738C>T, p.Ala913Val (NM_003219.1); c.2654+1955C>T (NM_001193376.3); short protein forms A913V.
Identifiers: ClinVar variation 2012006 (VCV002012006.4), dbSNP rs2126595114, ClinGen allele CA359071944.
Genomic context (GRCh38, chr5:1,264,509, plus strand): 5'-AGGCCGCACCAGGGGAATAGGCCGTGGGCCGGCATCTGAACAAAAGCCGTGCCACCCAGG[G>A]CCTCGTCTTCTACAGGGAAGTTCACCACTGTCTTCCGCAAGTTCACCACGCAGCCATACT-3'
Protein context (NP_937983.2, residues 903-923): TVVNFPVEDE[Ala913Val]LGGTAFVQMP